The following is an entry in ClinVar:

NM_012418.4(FSCN2):c.161A>G (p.Gln54Arg)

Gene: FSCN2 (fascin actin-bundling protein 2, retinal; plus strand). Cytogenetic location: 17q25.3.
Variant type: single nucleotide variant.
Coding change: c.161A>G on transcript NM_012418.4 (MANE Select); coding-DNA position 161, A replaced by G.
Protein change: p.Gln54Arg; replaces glutamine 54 with arginine.
Molecular consequence: missense variant.
Genome position (GRCh38, 1-based): chr17:81,528,692, A>G. VCF-style: chr17-81528692-A-G. GRCh37 (hg19) VCF-style: chr17-79495718-A-G.
Other names: c.161A>G, p.Gln54Arg (NM_001077182.3); short protein forms Q54R.
Identifiers: ClinVar variation 956029 (VCV000956029.10), dbSNP rs782429610, ClinGen allele CA8836598.

ClinVar aggregate classification (germline): Uncertain significance. Review status: criteria provided, multiple submitters, no conflicts (2 of 4 stars). 3 submissions from 3 submitters: Uncertain significance (3). Last evaluated 2025-10-31.

Allele frequency attached by ClinVar (database versions not stated): gnomAD 0.00005 and 0.00006; ExAC 0.00002; gnomAD exomes 0.00001; TOPMed 0.00008.
gnomAD v4.1: 20 of 1,601,788 alleles (0.0012%); highest among the groups gnomAD compares: African/African-American, 0.013%; no homozygotes.

Submissions (3):

Dasa
Classification: Uncertain significance. Last evaluated: 2025-10-31. Review status: criteria provided, single submitter. Criteria: DASA Assertion Criteria. Collection method: clinical testing. Allele origin: germline.
Comment: NM_012418.4(FSCN2):c.161A>G (p.Gln54Arg) is a missense variant that results in the substitution of glutamine with arginine. This variant is rare in population databases. Computational prediction algorithms are consistent with a benign effect. The currently available literature and clinical evidence are not sufficient to establish a definitive association between this variant and the reported condition. Therefore, this variant is classified as a variant of uncertain significance.

Labcorp Genetics (formerly Invitae), Labcorp
Classification: Uncertain significance. Last evaluated: 2025-10-23. Review status: criteria provided, single submitter. Criteria: Invitae Variant Classification Sherloc (09022015). Collection method: clinical testing. Allele origin: germline.
Comment: This sequence change replaces glutamine, which is neutral and polar, with arginine, which is basic and polar, at codon 54 of the FSCN2 protein (p.Gln54Arg). This variant is present in population databases (rs782429610, gnomAD 0.009%). This variant has not been reported in the literature in individuals affected with FSCN2-related conditions. ClinVar contains an entry for this variant (Variation ID: 956029). An algorithm developed to predict the effect of missense changes on protein structure and function outputs the following: PolyPhen-2: "Benign". The arginine amino acid residue is found in multiple mammalian species, which suggests that this missense change does not adversely affect protein function. In summary, the available evidence is currently insufficient to determine the role of this variant in disease. Therefore, it has been classified as a Variant of Uncertain Significance.

Ambry Genetics
Classification: Uncertain significance. Last evaluated: 2024-06-26. Review status: criteria provided, single submitter. Criteria: Ambry Variant Classification Scheme 2023. Collection method: clinical testing. Allele origin: germline.